The following is an entry in ClinVar:

NM_004364.5(CEBPA):c.922G>T (p.Val308Leu)

Gene: CEBPA (CCAAT enhancer binding protein alpha; minus strand). Cytogenetic location: 19q13.11.
Variant type: single nucleotide variant.
Coding change: c.922G>T on transcript NM_004364.5 (MANE Select); coding-DNA position 922, G replaced by T.
Protein change: p.Val308Leu; replaces valine 308 with leucine.
Molecular consequence: missense variant.
Genome position (GRCh38, 1-based): chr19:33,301,493, C>A on the plus strand (G>T on the coding strand, the complement: CEBPA is on the minus strand). VCF-style: chr19-33301493-C-A. GRCh37 (hg19) VCF-style: chr19-33792399-C-A.
Other names: c.565G>T, p.Val189Leu (NM_001285829.2); c.1027G>T, p.Val343Leu (NM_001287424.2); c.880G>T, p.Val294Leu (NM_001287435.2); short protein forms V189L, V294L, V308L, V343L.
Identifiers: ClinVar variation 1058089 (VCV001058089.9), dbSNP rs1182945213, ClinGen allele CA405273916.

ClinVar aggregate classification (germline): Uncertain significance (1 of 4 stars; one submission).

Conditions:
Acute myeloid leukemia (AML). Also called: Leukemia, acute myeloid, somatic; Leukemia, acute myelogenous, somatic; Acute myeloid leukemia, adult; AML adult; Acute non-lymphocytic leukemia; Acute granulocytic leukemia. Identifiers: Orphanet 519, MedGen C0023467, MeSH D015470, MONDO:0018874, OMIM 601626, HP:0004808. Disease mechanism: Constitutively activated FLT3.

Submission:

Labcorp Genetics (formerly Invitae), Labcorp
Classification: Uncertain significance for Acute myeloid leukemia. Last evaluated: 2020-03-04. Review status: criteria provided, single submitter. Criteria: Invitae Variant Classification Sherloc (09022015). Collection method: clinical testing. Allele origin: germline.
Comment: This sequence change replaces valine with leucine at codon 308 of the CEBPA protein (p.Val308Leu). The valine residue is moderately conserved and there is a small physicochemical difference between valine and leucine. This variant is not present in population databases (ExAC no frequency). This variant has not been reported in the literature in individuals with CEBPA-related conditions. Algorithms developed to predict the effect of missense changes on protein structure and function are either unavailable or do not agree on the potential impact of this missense change (SIFT: "Tolerated"; PolyPhen-2: "Possibly Damaging"; Align-GVGD: "Class C0"). In summary, the available evidence is currently insufficient to determine the role of this variant in disease. Therefore, it has been classified as a Variant of Uncertain Significance.